The following is an entry in ClinVar:

ClinVar aggregate classification (germline): Benign/Likely benign. Review status: criteria provided, multiple submitters, no conflicts (2 of 4 stars). 5 submissions from 5 submitters: Benign (2); Likely benign (3). Last evaluated 2026-06-12.

Conditions:
HTR1A-related disorder. Also called: HTR1A-related condition.

Allele frequency attached by ClinVar (database versions not stated): ESP Exome Variant Server 0.00008; TOPMed 0.00034; ExAC 0.00055; gnomAD 0.00057; 1000 Genomes Project 0.00140; 1000 Genomes Project 30x 0.00141.

Submissions (5):

PreventionGenetics, part of Exact Sciences
Classification: Benign for HTR1A-related condition. Last evaluated: 2026-06-12. Review status: criteria provided, single submitter. Criteria: ACMG Guidelines, 2015. Collection method: clinical testing. Allele origin: germline.
Comment: This variant is classified as benign based on ACMG/AMP sequence variant interpretation guidelines (Richards et al. 2015 PMID: 25741868, with internal and published modifications).

Blueprint Genetics
Classification: Likely benign. Last evaluated: 2024-11-06. Review status: criteria provided, single submitter. Criteria: ACMG Guidelines, 2015. Collection method: clinical testing. Allele origin: germline.

CeGaT Center for Human Genetics Tuebingen
Classification: Benign. Last evaluated: 2022-07-01. Review status: criteria provided, single submitter. Criteria: CeGaT Center For Human Genetics Tuebingen Variant Classification Criteria Version 2. Collection method: clinical testing. Allele origin: germline. Affected: yes. Observed: 1 variant allele.
Comment: HTR1A: BS1, BS2

Labcorp Genetics (formerly Invitae), Labcorp
Classification: Likely benign. Last evaluated: 2018-12-14. Review status: criteria provided, single submitter. Criteria: Invitae Variant Classification Sherloc (09022015). Collection method: clinical testing. Allele origin: germline.

Breakthrough Genomics
Classification: Likely benign. Review status: criteria provided, single submitter. Criteria: ACMG Guidelines, 2015. Collection method: not provided. Allele origin: germline. Inheritance: Autosomal dominant inheritance. Affected: yes.

NM_000524.4(HTR1A):c.545C>T (p.Ser182Leu)

Gene: HTR1A (5-hydroxytryptamine receptor 1A; minus strand). Cytogenetic location: 5q12.3.
Variant type: single nucleotide variant.
Coding change: c.545C>T on transcript NM_000524.4 (MANE Select); coding-DNA position 545, C replaced by T.
Protein change: p.Ser182Leu; replaces serine 182 with leucine.
Molecular consequence: missense variant.
Genome position (GRCh38, 1-based): chr5:63,961,175, G>A on the plus strand (C>T on the coding strand, the complement: HTR1A is on the minus strand). VCF-style: chr5-63961175-G-A. GRCh37 (hg19) VCF-style: chr5-63257002-G-A.
Other names: short protein forms S182L.
Identifiers: ClinVar variation 725315 (VCV000725315.30), dbSNP rs112846276, ClinGen allele CA3280899.